The following is an entry in ClinVar:

ClinVar aggregate classification (germline): Pathogenic (1 of 4 stars; one submission).

Conditions:
Primary ciliary dyskinesia. Also called: Ciliary dyskinesia. Identifiers: Orphanet 244, MedGen C0008780, MONDO:0016575, HP:0012265.

Submission:

Labcorp Genetics (formerly Invitae), Labcorp
Classification: Pathogenic for Primary ciliary dyskinesia. Last evaluated: 2024-03-06. Review status: criteria provided, single submitter. Criteria: Invitae Variant Classification Sherloc (09022015). Collection method: clinical testing. Allele origin: germline.
Comment: This sequence change creates a premature translational stop signal (p.Cys4071*) in the DNAH11 gene. It is expected to result in an absent or disrupted protein product. Loss-of-function variants in DNAH11 are known to be pathogenic (PMID: 18022865, 20513915, 22184204). This variant is present in population databases (no rsID available, gnomAD 0.0009%). This variant has not been reported in the literature in individuals affected with DNAH11-related conditions. For these reasons, this variant has been classified as Pathogenic.

Literature cited by the submitters: PubMed 18022865; PubMed 20513915; PubMed 22184204.

NM_001277115.2(DNAH11):c.12213C>A (p.Cys4071Ter)

Gene: DNAH11 (dynein axonemal heavy chain 11; plus strand). Cytogenetic location: 7p15.3.
Variant type: single nucleotide variant.
Coding change: c.12213C>A on transcript NM_001277115.2 (MANE Select); coding-DNA position 12213, C replaced by A.
Protein change: p.Cys4071Ter; replaces cysteine 4071 with a stop codon.
Molecular consequence: nonsense.
Genome position (GRCh38, 1-based): chr7:21,880,719, C>A. VCF-style: chr7-21880719-C-A. GRCh37 (hg19) VCF-style: chr7-21920337-C-A.
Other names: c.12234C>A, p.Cys4078Ter (NM_003777.3); short protein forms C4071*, C4078*.
Identifiers: ClinVar variation 2983743 (VCV002983743.3), dbSNP rs1424739250, ClinGen allele CA366963876.